The following is an entry in ClinVar:

ClinVar aggregate classification (germline): Uncertain significance (1 of 4 stars; one submission).

Allele frequency attached by ClinVar (database versions not stated): gnomAD 0.00001; TOPMed 0.00002; ExAC 0.00003.
gnomAD v4.1: 23 of 1,595,444 alleles (0.0014%); highest among the groups gnomAD compares: Middle Eastern, 0.017%; no homozygotes.

Submission:

Labcorp Genetics (formerly Invitae), Labcorp
Classification: Uncertain significance. Last evaluated: 2021-12-19. Review status: criteria provided, single submitter. Criteria: Invitae Variant Classification Sherloc (09022015). Collection method: clinical testing. Allele origin: germline.
Comment: This sequence change replaces glycine, which is neutral and non-polar, with glutamic acid, which is acidic and polar, at codon 181 of the ARHGEF18 protein (p.Gly181Glu). This variant also falls at the last nucleotide of exon 1, which is part of the consensus splice site for this exon. This variant is present in population databases (rs754348870, gnomAD 0.01%). This variant has not been reported in the literature in individuals affected with ARHGEF18-related conditions. Algorithms developed to predict the effect of missense changes on protein structure and function (SIFT, PolyPhen-2, Align-GVGD) all suggest that this variant is likely to be disruptive. Variants that disrupt the consensus splice site are a relatively common cause of aberrant splicing (PMID: 17576681, 9536098). Algorithms developed to predict the effect of sequence changes on RNA splicing suggest that this variant may disrupt the consensus splice site. In summary, the available evidence is currently insufficient to determine the role of this variant in disease. Therefore, it has been classified as a Variant of Uncertain Significance.

Literature cited by the submitters: PubMed 17576681; PubMed 9536098.

NM_001367823.1(ARHGEF18):c.1106G>A (p.Gly369Glu)

Gene: ARHGEF18 (Rho/Rac guanine nucleotide exchange factor 18; plus strand). Cytogenetic location: 19p13.2.
Variant type: single nucleotide variant.
Coding change: c.1106G>A on transcript NM_001367823.1 (MANE Select); coding-DNA position 1106, G replaced by A.
Protein change: p.Gly369Glu; replaces glycine 369 with glutamic acid.
Molecular consequence: missense variant.
Genome position (GRCh38, 1-based): chr19:7,440,482, G>A. VCF-style: chr19-7440482-G-A. GRCh37 (hg19) VCF-style: chr19-7505368-G-A.
Other names: c.380G>A, p.Gly127Glu (NM_001130955.2); c.68G>A, p.Gly23Glu (NM_001367824.1, NM_015318.4); short protein forms G127E, G369E, G23E.
Identifiers: ClinVar variation 1924099 (VCV001924099.2), dbSNP rs754348870, ClinGen allele CA9136333.